The following is an entry in ClinVar:

ClinVar aggregate classification (germline): Likely benign (1 of 4 stars; one submission).

Submission:

CeGaT Center for Human Genetics Tuebingen
Classification: Likely benign. Last evaluated: 2022-07-01. Review status: criteria provided, single submitter. Criteria: CeGaT Center For Human Genetics Tuebingen Variant Classification Criteria Version 2. Collection method: clinical testing. Allele origin: germline. Affected: yes. Observed: 1 variant allele.
Comment: LRSAM1: PM2:Supporting, BP4, BP7

NM_001005373.4(LRSAM1):c.1707G>T (p.Gly569=)

Gene: LRSAM1 (leucine rich repeat and sterile alpha motif containing 1; plus strand). Cytogenetic location: 9q33.3.
Variant type: single nucleotide variant.
Coding change: c.1707G>T on transcript NM_001005373.4 (MANE Select); coding-DNA position 1707, G replaced by T.
Protein change: p.Gly569=; no amino-acid change (glycine 569 retained).
Molecular consequence: synonymous variant. On other transcripts: non-coding transcript variant (2).
Genome position (GRCh38, 1-based): chr9:127,495,972, G>T. VCF-style: chr9-127495972-G-T. GRCh37 (hg19) VCF-style: chr9-130258251-G-T.
Other names: c.1707G>T, p.Gly569= (NM_001005374.4, NM_001384142.1, NM_138361.5); c.1626G>T, p.Gly542= (NM_001190723.3); c.1608G>T, p.Gly536= (NM_001384143.1); c.918G>T, p.Gly306= (NM_001384144.1).
Identifiers: ClinVar variation 2659503 (VCV002659503.24), dbSNP rs1426538523, ClinGen allele CA467234659.
Genomic context (GRCh38, chr9:127,495,972, plus strand): 5'-CAGTGGGTTCTTTTCTTCCTTCCTGCTCATGGTACACGTTTCTGTCTTGCAGGAAGAGGG[G>T]ATGGAGCGCCAGCTGGTGGCCCTCCTGGAGGAGCTGTCGGCTGAGCACTACCTGCCCATC-3'
Protein context (NP_001005373.1, residues 559-579): KPLSLKLQEE[Gly569=]MERQLVALLE